The following is an entry in ClinVar:

ClinVar aggregate classification (germline): Uncertain significance (1 of 4 stars; one submission).

Allele frequency attached by ClinVar (database versions not stated): ExAC 0.00001; TOPMed 0.00001.
gnomAD v4.1: 4 of 1,612,706 alleles (0.00025%); highest among the groups gnomAD compares: East Asian, 0.0045%; no homozygotes.

Submission:

Labcorp Genetics (formerly Invitae), Labcorp
Classification: Uncertain significance. Last evaluated: 2024-01-29. Review status: criteria provided, single submitter. Criteria: Invitae Variant Classification Sherloc (09022015). Collection method: clinical testing. Allele origin: germline.
Comment: This sequence change affects codon 467 of the PDE6B mRNA. It is a 'silent' change, meaning that it does not change the encoded amino acid sequence of the PDE6B protein. This variant also falls at the last nucleotide of exon 10, which is part of the consensus splice site for this exon. This variant is present in population databases (rs778367741, gnomAD 0.02%). This variant has not been reported in the literature in individuals affected with PDE6B-related conditions. Variants that disrupt the consensus splice site are a relatively common cause of aberrant splicing (PMID: 17576681, 9536098). Algorithms developed to predict the effect of sequence changes on RNA splicing suggest that this variant may disrupt the consensus splice site. In summary, the available evidence is currently insufficient to determine the role of this variant in disease. Therefore, it has been classified as a Variant of Uncertain Significance.

Literature cited by the submitters: PubMed 17576681; PubMed 9536098.

NM_000283.4(PDE6B):c.1401G>A (p.Leu467=)

Gene: PDE6B (phosphodiesterase 6B; plus strand). Cytogenetic location: 4p16.3.
Variant type: single nucleotide variant.
Coding change: c.1401G>A on transcript NM_000283.4 (MANE Select); coding-DNA position 1401, G replaced by A.
Protein change: p.Leu467=; no amino-acid change (leucine 467 retained).
Molecular consequence: synonymous variant.
Genome position (GRCh38, 1-based): chr4:657,494, G>A. VCF-style: chr4-657494-G-A. GRCh37 (hg19) VCF-style: chr4-651283-G-A.
Other names: c.1401G>A, p.Leu467= (NM_001145291.2); c.564G>A, p.Leu188= (NM_001145292.2, NM_001350154.3, NM_001379246.1 and 1 more transcripts); c.246G>A, p.Leu82= (NM_001350155.3).
Identifiers: ClinVar variation 3008971 (VCV003008971.3), dbSNP rs778367741, ClinGen allele CA2794472.